The following is an entry in ClinVar:

NM_002582.4(PARN):c.1612C>T (p.Arg538Trp)

Gene: PARN (poly(A)-specific ribonuclease; minus strand). Cytogenetic location: 16p13.12.
Variant type: single nucleotide variant.
Coding change: c.1612C>T on transcript NM_002582.4 (MANE Select); coding-DNA position 1612, C replaced by T.
Protein change: p.Arg538Trp; replaces arginine 538 with tryptophan.
Molecular consequence: missense variant.
Genome position (GRCh38, 1-based): chr16:14,482,696, G>A on the plus strand (C>T on the coding strand, the complement: PARN is on the minus strand). VCF-style: chr16-14482696-G-A. GRCh37 (hg19) VCF-style: chr16-14576553-G-A.
Other names: c.1429C>T, p.Arg477Trp (NM_001134477.3); c.1474C>T, p.Arg492Trp (NM_001242992.2); short protein forms R477W, R492W, R538W.
Identifiers: ClinVar variation 1018487 (VCV001018487.9), dbSNP rs183781022, ClinGen allele CA7911984.
Genomic context (GRCh38, chr16:14,482,696, plus strand): 5'-ACCTATTGTTGCGGTAATAGTGATTCTGCAGGGTGTAGGGTATGCACTGGGGGTTTAACC[G>A]TTTGCTGTCAGCCTCCTTCCAGCTATCTTCAGTCCACTTTCTTTTGATCTGCTTCTCTTC-3'
Protein context (NP_002573.1, residues 528-548): EDSWKEADSK[Arg538Trp]LNPQCIPYTL

ClinVar aggregate classification (germline): Uncertain significance (1 of 4 stars; one submission).

Conditions:
Dyskeratosis congenita, autosomal recessive 6 (DKCB6). Identifiers: MedGen C4225356, MONDO:0014600, OMIM 616353.
Pulmonary fibrosis and/or bone marrow failure, Telomere-related, 4. Also called: PULMONARY FIBROSIS AND/OR BONE MARROW FAILURE SYNDROME, TELOMERE-RELATED, 4. Identifiers: Orphanet 2032, MedGen C4225347, MONDO:0014612, OMIM 616371.

Allele frequency attached by ClinVar (database versions not stated): gnomAD exomes 0.00001; 1000 Genomes Project 0.00020; 1000 Genomes Project 30x 0.00031; ExAC 0.00003.

Submission:

Labcorp Genetics (formerly Invitae), Labcorp
Classification: Uncertain significance for Dyskeratosis congenita, autosomal recessive 6; Pulmonary fibrosis and/or bone marrow failure, Telomere-related, 4. Last evaluated: 2026-01-04. Review status: criteria provided, single submitter. Criteria: Invitae Variant Classification Sherloc (09022015). Collection method: clinical testing. Allele origin: germline.
Comment: This sequence change replaces arginine, which is basic and polar, with tryptophan, which is neutral and slightly polar, at codon 538 of the PARN protein (p.Arg538Trp). This variant is present in population databases (rs183781022, gnomAD 0.004%). This missense change has been observed in individual(s) with idiopathic cytopenia (PMID: 37216690). ClinVar contains an entry for this variant (Variation ID: 1018487). An algorithm developed to predict the effect of missense changes on protein structure and function (PolyPhen-2) suggests that this variant is likely to be disruptive. In summary, the available evidence is currently insufficient to determine the role of this variant in disease. Therefore, it has been classified as a Variant of Uncertain Significance.

Literature cited by the submitters: PubMed 37216690.